The following is an entry in ClinVar:

ClinVar aggregate classification (germline): Benign/Likely benign. Review status: criteria provided, multiple submitters, no conflicts (2 of 4 stars). 8 submissions from 8 submitters: Benign (1); Likely benign (6). 1 of the submissions does not count toward it. Last evaluated 2025-12-24.

Conditions:
ATM-related cancer predisposition. Also called: ATM-related cancer susceptibility. Identifiers: MedGen CN377759, MONDO:0700270.
ATM-related disorder. Also called: ATM-related disorders; ATM-related condition.
Hereditary cancer-predisposing syndrome. Also called: Tumor predisposition; Neoplastic Syndromes, Hereditary; Hereditary neoplastic syndrome; Hereditary Cancer Syndrome. Identifiers: Orphanet 140162, MedGen C0027672, MeSH D009386, MONDO:0015356.
Familial cancer of breast. Also called: BREAST CANCER, FAMILIAL; hereditary breast carcinoma; Hereditary breast cancer. Identifiers: Orphanet 227535, MedGen C0346153, MONDO:0016419, OMIM 114480. Disease mechanism: loss of function.
Ataxia-telangiectasia syndrome (AT). Also called: LOUIS-BAR SYNDROME; Ataxia-telangiectasia, complementation group D; AT, COMPLEMENTATION GROUP C; ATAXIA-TELANGIECTASIA, COMPLEMENTATION GROUP A; ATAXIA-TELANGIECTASIA, FRESNO VARIANT; Ataxia-telangiectasia. Identifiers: Orphanet 100, MedGen C0004135, MONDO:0008840, OMIM 208900.

Allele frequency attached by ClinVar (database versions not stated): gnomAD exomes 0.00002.

Submissions (8):

Labcorp Genetics (formerly Invitae), Labcorp
Classification: Likely benign for Ataxia-telangiectasia syndrome. Last evaluated: 2025-12-24. Review status: criteria provided, single submitter. Criteria: Invitae Variant Classification Sherloc (09022015). Collection method: clinical testing. Allele origin: germline.

Myriad Genetics, Inc.
Classification: Benign for Familial cancer of breast. Last evaluated: 2024-04-29. Review status: criteria provided, single submitter. Criteria: Myriad Autosomal Dominant, Autosomal Recessive and X-Linked Classification Criteria (2023). Collection method: clinical testing. Allele origin: unknown.
Comment: This variant is considered benign. This variant is a silent/synonymous amino acid change and it is not expected to impact splicing.

Department of Pathology and Laboratory Medicine, Sinai Health System
Classification: Likely benign for ATM-related cancer predisposition. Last evaluated: 2023-11-24. Review status: criteria provided, single submitter. Criteria: ACMG Guidelines, 2015. Collection method: clinical testing. Allele origin: germline. Affected: no.

Blueprint Genetics
Classification: Likely benign. Last evaluated: 2022-08-08. Review status: criteria provided, single submitter. Criteria: ACMG Guidelines, 2015. Collection method: clinical testing. Allele origin: germline.

GeneDx
Classification: Likely benign. Last evaluated: 2017-11-20. Review status: criteria provided, single submitter. Criteria: GeneDx Variant Classification (06012015). Collection method: clinical testing. Allele origin: germline. Affected: yes.
Comment: This variant is considered likely benign or benign based on one or more of the following criteria: it is a conservative change, it occurs at a poorly conserved position in the protein, it is predicted to be benign by multiple in silico algorithms, and/or has population frequency not consistent with disease.

Color Diagnostics, LLC DBA Color Health
Classification: Likely benign for Hereditary cancer-predisposing syndrome. Last evaluated: 2017-01-09. Review status: criteria provided, single submitter. Criteria: ACMG Guidelines, 2015. Collection method: clinical testing. Allele origin: germline.

Ambry Genetics
Classification: Likely benign for Hereditary cancer-predisposing syndrome. Last evaluated: 2014-10-08. Review status: criteria provided, single submitter. Criteria: Ambry Variant Classification Scheme 2023. Collection method: clinical testing. Allele origin: germline.

PreventionGenetics, part of Exact Sciences
Classification: Likely benign for ATM-related condition. Last evaluated: 2020-07-24. Review status: no assertion criteria provided. Collection method: clinical testing. Allele origin: germline. Not counted in ClinVar's aggregate classification.
Comment: This variant is classified as likely benign based on ACMG/AMP sequence variant interpretation guidelines (Richards et al. 2015 PMID: 25741868, with internal and published modifications).

NM_000051.4(ATM):c.1392G>A (p.Leu464=)

Gene: ATM (ATM serine/threonine kinase; plus strand). Cytogenetic location: 11q22.3.
Variant type: single nucleotide variant.
Coding change: c.1392G>A on transcript NM_000051.4 (MANE Select); coding-DNA position 1392, G replaced by A.
Protein change: p.Leu464=; no amino-acid change (leucine 464 retained).
Molecular consequence: synonymous variant.
Genome position (GRCh38, 1-based): chr11:108,250,857, G>A. VCF-style: chr11-108250857-G-A. GRCh37 (hg19) VCF-style: chr11-108121584-G-A.
Other names: c.1392G>A, p.Leu464= (NM_001351834.2).
Identifiers: ClinVar variation 183817 (VCV000183817.23), dbSNP rs760191806, ClinGen allele CA186599.